The following is an entry in ClinVar:

ClinVar aggregate classification (germline): Uncertain significance. Review status: criteria provided, multiple submitters, no conflicts (2 of 4 stars). 3 submissions from 3 submitters: Uncertain significance (2). 1 of the submissions does not count toward it. Last evaluated 2024-12-02.

Conditions:
MYO3A-related disorder. Also called: MYO3A-related condition.
Inborn genetic diseases. Identifiers: MedGen C0950123, MeSH D030342.

gnomAD v4.1: 149 of 1,612,604 alleles (0.0092%); highest among the groups gnomAD compares: Non-Finnish European, 0.012%; no homozygotes.

Submissions (3):

Ambry Genetics
Classification: Uncertain significance for Inborn genetic diseases. Last evaluated: 2024-12-02. Review status: criteria provided, single submitter. Criteria: Ambry Variant Classification Scheme 2023. Collection method: clinical testing. Allele origin: germline.

Labcorp Genetics (formerly Invitae), Labcorp
Classification: Uncertain significance. Last evaluated: 2024-08-04. Review status: criteria provided, single submitter. Criteria: Invitae Variant Classification Sherloc (09022015). Collection method: clinical testing. Allele origin: germline.
Comment: This sequence change replaces leucine, which is neutral and non-polar, with phenylalanine, which is neutral and non-polar, at codon 39 of the MYO3A protein (p.Leu39Phe). This variant is present in population databases (rs750056007, gnomAD 0.009%). This variant has not been reported in the literature in individuals affected with MYO3A-related conditions. An algorithm developed to predict the effect of missense changes on protein structure and function (PolyPhen-2) suggests that this variant is likely to be tolerated. In summary, the available evidence is currently insufficient to determine the role of this variant in disease. Therefore, it has been classified as a Variant of Uncertain Significance.

PreventionGenetics, part of Exact Sciences
Classification: Uncertain significance for MYO3A-related condition. Last evaluated: 2024-05-20. Review status: no assertion criteria provided. Collection method: clinical testing. Allele origin: germline. Not counted in ClinVar's aggregate classification.
Comment: The MYO3A c.117G>T variant is predicted to result in the amino acid substitution p.Leu39Phe. To our knowledge, this variant has not been reported in the literature. This variant is reported in 0.0085% of alleles in individuals of Latino descent in gnomAD. At this time, the clinical significance of this variant is uncertain due to the absence of conclusive functional and genetic evidence.

NM_017433.5(MYO3A):c.117G>T (p.Leu39Phe)

Gene: MYO3A (myosin IIIA; plus strand). Cytogenetic location: 10p12.1.
Variant type: single nucleotide variant.
Coding change: c.117G>T on transcript NM_017433.5 (MANE Select); coding-DNA position 117, G replaced by T.
Protein change: p.Leu39Phe; replaces leucine 39 with phenylalanine.
Molecular consequence: missense variant.
Genome position (GRCh38, 1-based): chr10:25,952,227, G>T. VCF-style: chr10-25952227-G-T. GRCh37 (hg19) VCF-style: chr10-26241156-G-T.
Other names: c.117G>T, p.Leu39Phe (NM_001368265.1); short protein forms L39F.
Identifiers: ClinVar variation 3355415 (VCV003355415.4).